The following is an entry in ClinVar:

NM_033380.3(COL4A5):c.3307C>T (p.Pro1103Ser)

Gene: COL4A5 (collagen type IV alpha 5 chain; plus strand). Cytogenetic location: Xq22.3.
Variant type: single nucleotide variant.
Coding change: c.3307C>T on transcript NM_033380.3 (MANE Select); coding-DNA position 3307, C replaced by T.
Protein change: p.Pro1103Ser; replaces proline 1103 with serine.
Molecular consequence: missense variant.
Genome position (GRCh38, 1-based): chrX:108,655,391, C>T. VCF-style: chrX-108655391-C-T. GRCh37 (hg19) VCF-style: chrX-107898621-C-T.
Other names: p.Pro1103Ser; c.3307C>T, p.Pro1103Ser (NM_000495.5); short protein forms P1103S.
Identifiers: ClinVar variation 3707151 (VCV003707151.3).

ClinVar aggregate classification (germline): Uncertain significance. Review status: criteria provided, multiple submitters, no conflicts (2 of 4 stars). 2 submissions from 2 submitters: Uncertain significance (2). Last evaluated 2025-01-23.

gnomAD v4.1: 1 of 1,210,626 alleles (0.000083%); no homozygotes.

Submissions (2):

Mayo Clinic Laboratories, Mayo Clinic
Classification: Uncertain significance. Last evaluated: 2025-01-23. Review status: criteria provided, single submitter. Criteria: ACMG Guidelines, 2015. Collection method: clinical testing. Allele origin: germline. Observed: 1 variant allele.
Comment: PM2_supporting

Labcorp Genetics (formerly Invitae), Labcorp
Classification: Uncertain significance. Last evaluated: 2024-08-01. Review status: criteria provided, single submitter. Criteria: Invitae Variant Classification Sherloc (09022015). Collection method: clinical testing. Allele origin: germline.
Comment: This sequence change replaces proline, which is neutral and non-polar, with serine, which is neutral and polar, at codon 1103 of the COL4A5 protein (p.Pro1103Ser). This variant is not present in population databases (gnomAD no frequency). This variant has not been reported in the literature in individuals affected with COL4A5-related conditions. Advanced modeling of protein sequence and biophysical properties (such as structural, functional, and spatial information, amino acid conservation, physicochemical variation, residue mobility, and thermodynamic stability) performed at Invitae indicates that this missense variant is not expected to disrupt COL4A5 protein function with a negative predictive value of 95%. In summary, the available evidence is currently insufficient to determine the role of this variant in disease. Therefore, it has been classified as a Variant of Uncertain Significance.